The following is an entry in ClinVar:

ClinVar aggregate classification (germline): Conflicting classifications of pathogenicity. Review status: criteria provided, conflicting classifications (1 of 4 stars). 6 submissions from 6 submitters: Uncertain significance (2); Benign (1); Likely benign (3). Last evaluated 2026-01-24.

Conditions:
3M syndrome 1. Also called: 3-M Syndrome, CUL7-Related. Identifiers: Orphanet 2616, MedGen C2678312, MONDO:0010117, OMIM 273750.

Allele frequency attached by ClinVar (database versions not stated): 1000 Genomes Project 30x 0.00031; TOPMed 0.00033; gnomAD 0.00035 and 0.00036; 1000 Genomes Project 0.00040; gnomAD exomes 0.00041 and 0.00087; ExAC 0.00050; ESP Exome Variant Server 0.00108.
gnomAD v4.1: 1,285 of 1,614,126 alleles (0.08%); highest among the groups gnomAD compares: Non-Finnish European, 0.11%; 3 homozygotes.

Submissions (6):

Labcorp Genetics (formerly Invitae), Labcorp
Classification: Likely benign. Last evaluated: 2026-01-24. Review status: criteria provided, single submitter. Criteria: Invitae Variant Classification Sherloc (09022015). Collection method: clinical testing. Allele origin: germline.

Blueprint Genetics
Classification: Likely benign. Last evaluated: 2024-09-12. Review status: criteria provided, single submitter. Criteria: ACMG Guidelines, 2015. Collection method: clinical testing. Allele origin: germline.

CeGaT Center for Human Genetics Tuebingen
Classification: Likely benign. Last evaluated: 2023-06-01. Review status: criteria provided, single submitter. Criteria: CeGaT Center For Human Genetics Tuebingen Variant Classification Criteria Version 2. Collection method: clinical testing. Allele origin: germline. Affected: yes. Observed: 1 variant allele.
Comment: CUL7: BP4, BP7

Eurofins Ntd Llc (ga)
Classification: Uncertain significance. Last evaluated: 2018-09-18. Review status: criteria provided, single submitter. Criteria: EGL ClinVar v180209 classification definitions. Collection method: clinical testing. Allele origin: germline. Observed: 2 variant alleles, 2 heterozygotes.

Illumina Laboratory Services, Illumina
Classification: Uncertain significance for 3M syndrome 1. Last evaluated: 2018-01-13. Review status: criteria provided, single submitter. Criteria: ICSL Variant Classification Criteria 13 December 2019. Collection method: clinical testing. Allele origin: germline.

PreventionGenetics, part of Exact Sciences
Classification: Benign. Review status: criteria provided, single submitter. Criteria: ACMG Guidelines, 2015. Collection method: clinical testing. Allele origin: germline.

NM_014780.5(CUL7):c.3432G>A (p.Thr1144=)

Gene: CUL7 (cullin 7; minus strand). Cytogenetic location: 6p21.1.
Variant type: single nucleotide variant.
Coding change: c.3432G>A on transcript NM_014780.5 (MANE Select); coding-DNA position 3432, G replaced by A.
Protein change: p.Thr1144=; no amino-acid change (threonine 1144 retained).
Molecular consequence: synonymous variant.
Genome position (GRCh38, 1-based): chr6:43,043,104, C>T on the plus strand (G>A on the coding strand, the complement: CUL7 is on the minus strand). VCF-style: chr6-43043104-C-T. GRCh37 (hg19) VCF-style: chr6-43010842-C-T.
Other names: c.3528G>A, p.Thr1176= (NM_001168370.2, NM_001374872.1); c.3432G>A, p.Thr1144= (NM_001374873.1); c.3429G>A, p.Thr1143= (NM_001374874.1).
Identifiers: ClinVar variation 260439 (VCV000260439.44), dbSNP rs144556973, ClinGen allele CA3813491.